The following is an entry in ClinVar:

NM_000051.4(ATM):c.5861C>T (p.Ala1954Val)

Genes: C11orf65 (chromosome 11 open reading frame 65; minus strand), ATM (ATM serine/threonine kinase; plus strand). Cytogenetic location: 11q22.3.
Variant type: single nucleotide variant.
Coding change: c.5861C>T on transcript NM_000051.4 (MANE Select); coding-DNA position 5861, C replaced by T.
Protein change: p.Ala1954Val; replaces alanine 1954 with valine.
Molecular consequence: missense variant. On other transcripts: intron variant (2).
Genome position (GRCh38, 1-based): chr11:108,310,258, C>T. VCF-style: chr11-108310258-C-T. GRCh37 (hg19) VCF-style: chr11-108180985-C-T.
Other names: c.5861C>T, p.Ala1954Val (NM_001351834.2); c.641-1187G>A (NM_001330368.2); c.*39-1187G>A (NM_001351110.2); short protein forms A1954V.
Identifiers: ClinVar variation 3359971 (VCV003359971.1).

ClinVar aggregate classification (germline): Uncertain significance (1 of 4 stars; one submission).

Submission:

GeneDx
Classification: Uncertain significance. Last evaluated: 2023-06-14. Review status: criteria provided, single submitter. Criteria: GeneDx Variant Classification Process June 2021. Collection method: clinical testing. Allele origin: germline. Affected: yes.
Comment: Not observed at significant frequency in large population cohorts (gnomAD); In silico analysis supports that this missense variant has a deleterious effect on protein structure/function; Has not been previously published as pathogenic or benign to our knowledge